The following is an entry in ClinVar:

NM_018192.4(P3H2):c.1156G>C (p.Ala386Pro)

Gene: P3H2 (prolyl 3-hydroxylase 2; minus strand). Cytogenetic location: 3q28.
Variant type: single nucleotide variant.
Coding change: c.1156G>C on transcript NM_018192.4 (MANE Select); coding-DNA position 1156, G replaced by C.
Protein change: p.Ala386Pro; replaces alanine 386 with proline.
Molecular consequence: missense variant.
Genome position (GRCh38, 1-based): chr3:189,986,820, C>G on the plus strand (G>C on the coding strand, the complement: P3H2 is on the minus strand). VCF-style: chr3-189986820-C-G. GRCh37 (hg19) VCF-style: chr3-189704609-C-G.
Other names: c.613G>C, p.Ala205Pro (NM_001134418.2); short protein forms A205P, A386P.
Identifiers: ClinVar variation 963153 (VCV000963153.6), dbSNP rs758928478, ClinGen allele CA2753067.

ClinVar aggregate classification (germline): Uncertain significance (1 of 4 stars; one submission).

Allele frequency attached by ClinVar (database versions not stated): ExAC 0.00001.
gnomAD v4.1: 2 of 1,612,184 alleles (0.00012%); highest among the groups gnomAD compares: Non-Finnish European, 0.00017%; no homozygotes.

Submission:

Labcorp Genetics (formerly Invitae), Labcorp
Classification: Uncertain significance. Last evaluated: 2019-10-19. Review status: criteria provided, single submitter. Criteria: Invitae Variant Classification Sherloc (09022015). Collection method: clinical testing. Allele origin: germline.
Comment: Algorithms developed to predict the effect of missense changes on protein structure and function are either unavailable or do not agree on the potential impact of this missense change (SIFT: "Deleterious"; PolyPhen-2: "Possibly Damaging"; Align-GVGD: "Class C0"). This variant has not been reported in the literature in individuals with P3H2-related conditions. This variant is present in population databases (rs758928478, ExAC 0.001%). This sequence change replaces alanine with proline at codon 386 of the P3H2 protein (p.Ala386Pro). The alanine residue is moderately conserved and there is a small physicochemical difference between alanine and proline. In summary, the available evidence is currently insufficient to determine the role of this variant in disease. Therefore, it has been classified as a Variant of Uncertain Significance.